The following is an entry in ClinVar:

ClinVar aggregate classification (germline): Likely benign. Review status: criteria provided, single submitter (1 of 4 stars). 2 submissions from 2 submitters: Likely benign (1). 1 of the submissions does not count toward it. Last evaluated 2024-09-24.

Conditions:
RAB11B-related disorder. Also called: RAB11B-related condition.

Allele frequency attached by ClinVar (database versions not stated): gnomAD 0.00001; TOPMed 0.00002; ESP Exome Variant Server 0.00008.
gnomAD v4.1: 23 of 1,513,106 alleles (0.0015%); highest among the groups gnomAD compares: Non-Finnish European, 0.002%; no homozygotes.

Submissions (2):

Labcorp Genetics (formerly Invitae), Labcorp
Classification: Likely benign. Last evaluated: 2024-09-24. Review status: criteria provided, single submitter. Criteria: Invitae Variant Classification Sherloc (09022015). Collection method: clinical testing. Allele origin: germline.

PreventionGenetics, part of Exact Sciences
Classification: Likely benign for RAB11B-related condition. Last evaluated: 2022-10-18. Review status: no assertion criteria provided. Collection method: clinical testing. Allele origin: germline. Not counted in ClinVar's aggregate classification.
Comment: This variant is classified as likely benign based on ACMG/AMP sequence variant interpretation guidelines (Richards et al. 2015 PMID: 25741868, with internal and published modifications).

NM_004218.4(RAB11B):c.33A>G (p.Leu11=)

Genes: RAB11B (RAB11B, member RAS oncogene family; plus strand), RAB11B-AS1 (RAB11B antisense RNA 1; minus strand). Cytogenetic location: 19p13.2.
Variant type: single nucleotide variant.
Coding change: c.33A>G on transcript NM_004218.4 (MANE Select); coding-DNA position 33, A replaced by G.
Protein change: p.Leu11=; no amino-acid change (leucine 11 retained).
Molecular consequence: synonymous variant. On other transcripts: non-coding transcript variant (1).
Genome position (GRCh38, 1-based): chr19:8,390,449, A>G. VCF-style: chr19-8390449-A-G. GRCh37 (hg19) VCF-style: chr19-8455333-A-G.
Other names: c.33A>G (NM_004218.3).
Identifiers: ClinVar variation 1904841 (VCV001904841.7), dbSNP rs373274971, ClinGen allele CA304970190.